The following is an entry in ClinVar:

ClinVar aggregate classification (germline): Uncertain significance (1 of 4 stars; one submission).

gnomAD v4.1: 2 of 1,588,568 alleles (0.00013%); highest among the groups gnomAD compares: Non-Finnish European, 0.00017%; no homozygotes.

Submission:

Labcorp Genetics (formerly Invitae), Labcorp
Classification: Uncertain significance. Last evaluated: 2022-07-19. Review status: criteria provided, single submitter. Criteria: Invitae Variant Classification Sherloc (09022015). Collection method: clinical testing. Allele origin: germline.
Comment: ClinVar contains an entry for this variant (Variation ID: 1351143). In summary, the available evidence is currently insufficient to determine the role of this variant in disease. Therefore, it has been classified as a Variant of Uncertain Significance. Algorithms developed to predict the effect of sequence changes on RNA splicing suggest that this variant may create or strengthen a splice site. Algorithms developed to predict the effect of missense changes on protein structure and function (SIFT, PolyPhen-2, Align-GVGD) all suggest that this variant is likely to be tolerated. This variant has not been reported in the literature in individuals affected with GNPAT-related conditions. This variant is present in population databases (no rsID available, gnomAD 0.007%). This sequence change replaces arginine, which is basic and polar, with leucine, which is neutral and non-polar, at codon 515 of the GNPAT protein (p.Arg515Leu).

NM_014236.4(GNPAT):c.1544G>T (p.Arg515Leu)

Gene: GNPAT (glyceronephosphate O-acyltransferase; plus strand). Cytogenetic location: 1q42.2.
Variant type: single nucleotide variant.
Coding change: c.1544G>T on transcript NM_014236.4 (MANE Select); coding-DNA position 1544, G replaced by T.
Protein change: p.Arg515Leu; replaces arginine 515 with leucine.
Molecular consequence: missense variant.
Genome position (GRCh38, 1-based): chr1:231,272,333, G>T. VCF-style: chr1-231272333-G-T. GRCh37 (hg19) VCF-style: chr1-231408079-G-T.
Other names: c.1361G>T, p.Arg454Leu (NM_001316350.2); short protein forms R454L, R515L.
Identifiers: ClinVar variation 1351143 (VCV001351143.8), dbSNP rs373702989, ClinGen allele CA345237920.